The following is an entry in ClinVar:

NM_033380.3(COL4A5):c.4356G>T (p.Leu1452Phe)

Gene: COL4A5 (collagen type IV alpha 5 chain; plus strand). Cytogenetic location: Xq22.3.
Variant type: single nucleotide variant.
Coding change: c.4356G>T on transcript NM_033380.3 (MANE Select); coding-DNA position 4356, G replaced by T.
Protein change: p.Leu1452Phe; replaces leucine 1452 with phenylalanine.
Molecular consequence: missense variant.
Genome position (GRCh38, 1-based): chrX:108,687,522, G>T. VCF-style: chrX-108687522-G-T. GRCh37 (hg19) VCF-style: chrX-107930752-G-T.
Other names: c.4338G>T, p.Leu1446Phe (NM_000495.5); short protein forms L1446F, L1452F.
Identifiers: ClinVar variation 3720144 (VCV003720144.2).

ClinVar aggregate classification (germline): Uncertain significance (1 of 4 stars; one submission).

Submission:

Labcorp Genetics (formerly Invitae), Labcorp
Classification: Uncertain significance. Last evaluated: 2025-06-12. Review status: criteria provided, single submitter. Criteria: Invitae Variant Classification Sherloc (09022015). Collection method: clinical testing. Allele origin: germline.
Comment: This sequence change replaces leucine, which is neutral and non-polar, with phenylalanine, which is neutral and non-polar, at codon 1446 of the COL4A5 protein (p.Leu1446Phe). This variant is not present in population databases (gnomAD no frequency). This variant has not been reported in the literature in individuals affected with COL4A5-related conditions. ClinVar contains an entry for this variant (Variation ID: 3720144). Invitae Evidence Modeling of protein sequence and biophysical properties (such as structural, functional, and spatial information, amino acid conservation, physicochemical variation, residue mobility, and thermodynamic stability) indicates that this missense variant is not expected to disrupt COL4A5 protein function with a negative predictive value of 95%. In summary, the available evidence is currently insufficient to determine the role of this variant in disease. Therefore, it has been classified as a Variant of Uncertain Significance.